The following is an entry in ClinVar:

ClinVar aggregate classification (germline): Uncertain significance. Review status: criteria provided, multiple submitters, no conflicts (2 of 4 stars). 2 submissions from 2 submitters: Uncertain significance (2). Last evaluated 2024-10-19.

Conditions:
Inborn genetic diseases. Identifiers: MedGen C0950123, MeSH D030342.
LAMA2-related muscular dystrophy (LAMA2-RD). Also called: Laminin alpha 2-related dystrophy. Identifiers: MedGen C5679788, MONDO:0100228.

Allele frequency attached by ClinVar (database versions not stated): gnomAD exomes 0.00001; TOPMed 0.00001.
gnomAD v4.1: 3 of 1,614,140 alleles (0.00019%); highest among the groups gnomAD compares: Admixed American, 0.0033%; no homozygotes.

Submissions (2):

Ambry Genetics
Classification: Uncertain significance for Inborn genetic diseases. Last evaluated: 2024-10-19. Review status: criteria provided, single submitter. Criteria: Ambry Variant Classification Scheme 2023. Collection method: clinical testing. Allele origin: germline.

Labcorp Genetics (formerly Invitae), Labcorp
Classification: Uncertain significance for LAMA2-related muscular dystrophy. Last evaluated: 2021-09-01. Review status: criteria provided, single submitter. Criteria: Invitae Variant Classification Sherloc (09022015). Collection method: clinical testing. Allele origin: germline.
Comment: This sequence change replaces alanine with proline at codon 1115 of the LAMA2 protein (p.Ala1115Pro). The alanine residue is weakly conserved and there is a small physicochemical difference between alanine and proline. This variant is not present in population databases (ExAC no frequency). This variant has not been reported in the literature in individuals affected with LAMA2-related conditions. ClinVar contains an entry for this variant (Variation ID: 573496). Algorithms developed to predict the effect of missense changes on protein structure and function (SIFT, PolyPhen-2, Align-GVGD) all suggest that this variant is likely to be tolerated. In summary, the available evidence is currently insufficient to determine the role of this variant in disease. Therefore, it has been classified as a Variant of Uncertain Significance.

NM_000426.4(LAMA2):c.3343G>C (p.Ala1115Pro)

Gene: LAMA2 (laminin subunit alpha 2; plus strand). Cytogenetic location: 6q22.33.
Variant type: single nucleotide variant.
Coding change: c.3343G>C on transcript NM_000426.4 (MANE Select); coding-DNA position 3343, G replaced by C.
Protein change: p.Ala1115Pro; replaces alanine 1115 with proline.
Molecular consequence: missense variant.
Genome position (GRCh38, 1-based): chr6:129,313,029, G>C. VCF-style: chr6-129313029-G-C. GRCh37 (hg19) VCF-style: chr6-129634174-G-C.
Other names: c.3343G>C, p.Ala1115Pro (NM_001079823.2); short protein forms A1115P.
Identifiers: ClinVar variation 573496 (VCV000573496.6), dbSNP rs780442272, ClinGen allele CA146912087.